The following is an entry in ClinVar:

NM_013435.3(RAX):c.499G>T (p.Glu167Ter)

Gene: RAX (retina and anterior neural fold homeobox; minus strand). Cytogenetic location: 18q21.32.
Variant type: single nucleotide variant.
Coding change: c.499G>T on transcript NM_013435.3 (MANE Select); coding-DNA position 499, G replaced by T.
Protein change: p.Glu167Ter; replaces glutamic acid 167 with a stop codon.
Molecular consequence: nonsense.
Genome position (GRCh38, 1-based): chr18:59,272,405, C>A on the plus strand (G>T on the coding strand, the complement: RAX is on the minus strand). VCF-style: chr18-59272405-C-A. GRCh37 (hg19) VCF-style: chr18-56939637-C-A.
Other names: short protein forms E167*.
Identifiers: ClinVar variation 1879402 (VCV001879402.29), dbSNP rs1178632580, ClinGen allele CA402586531.

ClinVar aggregate classification (germline): Pathogenic (1 of 4 stars; one submission).

Submission:

CeGaT Center for Human Genetics Tuebingen
Classification: Pathogenic. Last evaluated: 2022-12-01. Review status: criteria provided, single submitter. Criteria: CeGaT Center For Human Genetics Tuebingen Variant Classification Criteria Version 2. Collection method: clinical testing. Allele origin: germline. Affected: yes. Observed: 1 variant allele.
Comment: RAX: PP4:Strong, PVS1:Strong, PM2, PM3:Supporting